The following is an entry in ClinVar:

ClinVar aggregate classification (germline): Benign/Likely benign. Review status: criteria provided, multiple submitters, no conflicts (2 of 4 stars). 9 submissions from 9 submitters: Benign (6); Likely benign (2). 1 of the submissions does not count toward it. Last evaluated 2026-08-01.

Conditions:
ASXL3-related disorder. Also called: ASXL3-related condition. Identifiers: MedGen CN381524.
Bainbridge-Ropers syndrome. Also called: Severe feeding difficulties-failure to thrive-microcephaly due to ASXL3 deficiency syndrome. Identifiers: Orphanet 352577, MedGen C4750837, MONDO:0014205, OMIM 615485.

Allele frequency attached by ClinVar (database versions not stated): 1000 Genomes Project 0.00240; 1000 Genomes Project 30x 0.00265; ExAC 0.00634; gnomAD 0.00666 and 0.00679; gnomAD exomes 0.00675 and 0.00961; TOPMed 0.00687; ESP Exome Variant Server 0.00702.
gnomAD v4.1: 15,004 of 1,612,604 alleles (0.93%); highest among the groups gnomAD compares: Non-Finnish European, 1.1%; 101 homozygotes.

Submissions (9):

CeGaT Center for Human Genetics Tuebingen
Classification: Benign. Last evaluated: 2026-08-01. Review status: criteria provided, single submitter. Criteria: CeGaT Center For Human Genetics Tuebingen Variant Classification Criteria Version 2. Collection method: clinical testing. Allele origin: germline. Affected: yes. Observed: 43 variant alleles.
Comment: ASXL3: BS1, BS2

Genome-Nilou Lab
Classification: Benign for Bainbridge-Ropers syndrome. Last evaluated: 2021-12-05. Review status: criteria provided, single submitter. Criteria: ACMG Guidelines, 2015. Collection method: clinical testing. Allele origin: germline. Affected: no.

Genetic Services Laboratory, University of Chicago
Classification: Benign. Last evaluated: 2021-03-01. Review status: criteria provided, single submitter. Criteria: ACMG Guidelines, 2015. Collection method: clinical testing. Allele origin: germline. Affected: no.

GeneDx
Classification: Benign. Last evaluated: 2019-09-26. Review status: criteria provided, single submitter. Criteria: GeneDx Variant Classification Process June 2021. Collection method: clinical testing. Allele origin: germline. Affected: yes.

Mendelics
Classification: Likely benign for Bainbridge-Ropers syndrome. Last evaluated: 2019-05-28. Review status: criteria provided, single submitter. Criteria: Mendelics Assertion Criteria 2017. Collection method: clinical testing. Allele origin: unknown.

Labcorp Genetics (formerly Invitae), Labcorp
Classification: Benign. Last evaluated: 2018-04-02. Review status: criteria provided, single submitter. Criteria: Invitae Variant Classification Sherloc (09022015). Collection method: clinical testing. Allele origin: germline.

Genomic Diagnostic Laboratory, Division of Genomic Diagnostics, Children's Hospital of Philadelphia
Classification: Benign. Last evaluated: 2015-06-05. Review status: criteria provided, single submitter. Criteria: DGD Variant Analysis Guidelines. Collection method: clinical testing. Allele origin: unknown.

Breakthrough Genomics
Classification: Likely benign. Review status: criteria provided, single submitter. Criteria: ACMG Guidelines, 2015. Collection method: not provided. Allele origin: germline. Inheritance: Autosomal dominant inheritance. Affected: yes.

PreventionGenetics, part of Exact Sciences
Classification: Benign for ASXL3-related condition. Last evaluated: 2019-05-16. Review status: no assertion criteria provided. Collection method: clinical testing. Allele origin: germline. Not counted in ClinVar's aggregate classification.
Comment: This variant is classified as benign based on ACMG/AMP sequence variant interpretation guidelines (Richards et al. 2015 PMID: 25741868, with internal and published modifications).

NM_030632.3(ASXL3):c.6200T>G (p.Leu2067Arg)

Gene: ASXL3 (ASXL transcriptional regulator 3; plus strand). Cytogenetic location: 18q12.1.
Variant type: single nucleotide variant.
Coding change: c.6200T>G on transcript NM_030632.3 (MANE Select); coding-DNA position 6200, T replaced by G.
Protein change: p.Leu2067Arg; replaces leucine 2067 with arginine.
Molecular consequence: missense variant.
Genome position (GRCh38, 1-based): chr18:33,746,048, T>G. VCF-style: chr18-33746048-T-G. GRCh37 (hg19) VCF-style: chr18-31326012-T-G.
Other names: short protein forms L2067R.
Identifiers: ClinVar variation 218805 (VCV000218805.45), dbSNP rs144534810, ClinGen allele CA249391.